The following is an entry in ClinVar:

ClinVar aggregate classification (germline): Likely benign. Review status: criteria provided, multiple submitters, no conflicts (2 of 4 stars). 2 submissions from 2 submitters: Likely benign (2). Last evaluated 2025-10-29.

Allele frequency attached by ClinVar (database versions not stated): gnomAD 0.00003; TOPMed 0.00005; ExAC 0.00006; gnomAD exomes 0.00006.
gnomAD v4.1: 95 of 1,612,936 alleles (0.0059%); highest among the groups gnomAD compares: South Asian, 0.04%; no homozygotes.

Submissions (2):

Labcorp Genetics (formerly Invitae), Labcorp
Classification: Likely benign. Last evaluated: 2025-10-29. Review status: criteria provided, single submitter. Criteria: Invitae Variant Classification Sherloc (09022015). Collection method: clinical testing. Allele origin: germline.

Mayo Clinic Laboratories, Mayo Clinic
Classification: Likely benign. Last evaluated: 2025-01-13. Review status: criteria provided, single submitter. Criteria: ACMG Guidelines, 2015. Collection method: clinical testing. Allele origin: germline. Observed: 1 variant allele.
Comment: BP4, BP7

NM_002227.4(JAK1):c.3189C>T (p.Asp1063=)

Gene: JAK1 (Janus kinase 1; minus strand). Cytogenetic location: 1p31.3.
Variant type: single nucleotide variant.
Coding change: c.3189C>T on transcript NM_002227.4 (MANE Select); coding-DNA position 3189, C replaced by T.
Protein change: p.Asp1063=; no amino-acid change (aspartic acid 1063 retained).
Molecular consequence: synonymous variant.
Genome position (GRCh38, 1-based): chr1:64,836,167, G>A on the plus strand (C>T on the coding strand, the complement: JAK1 is on the minus strand). VCF-style: chr1-64836167-G-A. GRCh37 (hg19) VCF-style: chr1-65301850-G-A.
Other names: p.Asp1063=; c.3189C>T, p.Asp1063= (NM_001320923.2, NM_001321852.2, NM_001321853.2 and 3 more transcripts); c.3186C>T, p.Asp1062= (NM_001321857.2).
Identifiers: ClinVar variation 2200439 (VCV002200439.5), dbSNP rs776569350, ClinGen allele CA892498.
Genomic context (GRCh38, chr1:64,836,167, plus strand): 5'-ACTAGAATCTGAATCACAGTAAGTCAGCAGCTCATGCAGAGTGACTCCAAAAGACCAGAC[G>A]TCAGAGGCAATATAAAATTTAGATTGCATTAAACATTCTGGAGCATACCTTGAAAGGAAG-3'
Protein context (NP_002218.2, residues 1053-1073): LMQSKFYIAS[Asp1063=]VWSFGVTLHE